The following is an entry in ClinVar:

NM_001242896.3(DEPDC5):c.4126G>A (p.Gly1376Ser)

Gene: DEPDC5 (DEP domain containing 5, GATOR1 subcomplex subunit; plus strand). Cytogenetic location: 22q12.3.
Variant type: single nucleotide variant.
Coding change: c.4126G>A on transcript NM_001242896.3 (MANE Select); coding-DNA position 4126, G replaced by A.
Protein change: p.Gly1376Ser; replaces glycine 1376 with serine.
Molecular consequence: missense variant. On other transcripts: non-coding transcript variant (5).
Genome position (GRCh38, 1-based): chr22:31,893,674, G>A. VCF-style: chr22-31893674-G-A. GRCh37 (hg19) VCF-style: chr22-32289660-G-A.
Other names: c.4099G>A, p.Gly1367Ser (NM_001136029.4); c.3826G>A, p.Gly1276Ser (NM_001242897.2); c.4060G>A, p.Gly1354Ser (NM_001363852.2, NM_001364320.2); c.3892G>A, p.Gly1298Ser (NM_001363854.2, NM_001364319.2); c.4126G>A, p.Gly1376Ser (NM_001364318.2); c.4042G>A, p.Gly1348Ser (NM_001369901.1, NM_001369902.1); c.4033G>A, p.Gly1345Ser (NM_001369903.1, NM_014662.6); short protein forms G1276S, G1376S, G1345S, G1367S, G1298S, G1348S, G1354S.
Identifiers: ClinVar variation 534804 (VCV000534804.14), dbSNP rs1555929990, ClinGen allele CA411287082.

ClinVar aggregate classification (germline): Uncertain significance. Review status: criteria provided, multiple submitters, no conflicts (2 of 4 stars). 2 submissions from 2 submitters: Uncertain significance (2). Last evaluated 2021-03-06.

Conditions:
Familial focal epilepsy with variable foci (FPEVF). Identifiers: Orphanet 98820, MedGen C1858477, MONDO:0020310.
Inborn genetic diseases. Identifiers: MedGen C0950123, MeSH D030342.

Submissions (2):

Labcorp Genetics (formerly Invitae), Labcorp
Classification: Uncertain significance for Familial focal epilepsy with variable foci. Last evaluated: 2021-03-06. Review status: criteria provided, single submitter. Criteria: Invitae Variant Classification Sherloc (09022015). Collection method: clinical testing. Allele origin: germline.
Comment: In summary, the available evidence is currently insufficient to determine the role of this variant in disease. Therefore, it has been classified as a Variant of Uncertain Significance. Algorithms developed to predict the effect of sequence changes on RNA splicing suggest that this variant may create or strengthen a splice site, but this prediction has not been confirmed by published transcriptional studies. Algorithms developed to predict the effect of missense changes on protein structure and function do not agree on the potential impact of this missense change (SIFT: "Tolerated"; PolyPhen-2: "Probably Damaging"; Align-GVGD: "Class C0"). This variant has not been reported in the literature in individuals with DEPDC5-related disease. This variant is not present in population databases (ExAC no frequency). This sequence change replaces glycine with serine at codon 1376 of the DEPDC5 protein (p.Gly1376Ser). The glycine residue is highly conserved and there is a small physicochemical difference between glycine and serine.

Ambry Genetics
Classification: Uncertain significance for Inborn genetic diseases. Last evaluated: 2016-05-26. Review status: criteria provided, single submitter. Criteria: Ambry Variant Classification Scheme 2023. Collection method: clinical testing. Allele origin: germline.
Comment: The p.G1376S variant (also known as c.4126G>A), located in coding exon 38 of the DEPDC5 gene, results from a G to A substitution at nucleotide position 4126. The glycine at codon 1376 is replaced by serine, an amino acid with similar properties. This variant was not reported in population based cohorts in the following databases: Database of Single Nucleotide Polymorphisms (dbSNP), NHLBI Exome Sequencing Project (ESP), and 1000 Genomes Project. In the ESP, this variant was not observed in 6251 samples (12502 alleles) with coverage at this position. This amino acid position is highly conserved in available vertebrate species. In addition, the in silico prediction for this alteration is inconclusive. Since supporting evidence is limited at this time, the clinical significance of this alteration remains unclear.